The following is an entry in ClinVar:

NM_000441.2(SLC26A4):c.304+2T>C

Gene: SLC26A4 (solute carrier family 26 member 4; plus strand). Cytogenetic location: 7q22.3.
Variant type: single nucleotide variant.
Coding change: c.304+2T>C on transcript NM_000441.2 (MANE Select); the canonical splice donor site of the intron after coding-DNA position 304, T replaced by C.
Molecular consequence: splice donor variant.
Genome position (GRCh38, 1-based): chr7:107,663,437, T>C. VCF-style: chr7-107663437-T-C. GRCh37 (hg19) VCF-style: chr7-107303882-T-C.
Identifiers: ClinVar variation 189167 (VCV000189167.19), dbSNP rs746238617, ClinGen allele CA274448.

ClinVar aggregate classification (germline): Pathogenic/Likely pathogenic. Review status: criteria provided, multiple submitters, no conflicts (2 of 4 stars). 7 submissions from 7 submitters: Pathogenic (5); Likely pathogenic (1). 1 of the submissions does not count toward it. Last evaluated 2026-04-29.

Conditions:
SLC26A4-related disorder. Also called: SLC26A4-related condition; SLC26A4-related disorders.
Pendred syndrome (PDS). Also called: THYROID DYSHORMONOGENESIS 2B; THYROID HORMONOGENESIS, GENETIC DEFECT IN, 2B; DEAFNESS WITH GOITER; GOITER-DEAFNESS SYNDROME; HYPOTHYROIDISM, CONGENITAL, DUE TO DYSHORMONOGENESIS, 2B; Pendred's syndrome. Identifiers: Orphanet 705, MedGen C0271829, MONDO:0010134, OMIM 274600.
Autosomal recessive nonsyndromic hearing loss 4 (DFNB4). Also called: Nonsyndromic enlarged vestibular aqueduct (NSEVA); NEUROSENSORY NONSYNDROMIC RECESSIVE DEAFNESS 4; Deafness, autosomal recessive 4, with enlarged vestibular aqueduct; Deafness, autosomal recessive 4; Enlarged vestibular aqueduct, digenic; FOXI1-Related Pendred Syndrome. Identifiers: Orphanet 90636, MedGen C3538946, MONDO:0010933, OMIM 600791.

Allele frequency attached by ClinVar (database versions not stated): gnomAD exomes below 0.00001; ExAC 0.00001.
gnomAD v4.1: 19 of 1,613,828 alleles (0.0012%); highest among the groups gnomAD compares: Non-Finnish European, 0.0016%; no homozygotes.

Submissions (7):

PreventionGenetics, part of Exact Sciences
Classification: Pathogenic for SLC26A4-related condition. Last evaluated: 2026-04-29. Review status: criteria provided, single submitter. Criteria: ACMG Guidelines, 2015. Collection method: clinical testing. Allele origin: germline.
Comment: The SLC26A4 c.304+2T>C variant is predicted to disrupt the GT donor site and interfere with normal splicing. This variant was reported in individuals with Pendred syndrome or hearing loss (Anwar et al. 2009. PubMed ID: 19287372; Table S2, Johansson et al. 2023. PubMed ID: 36675424). This variant is reported in 0.00088% of alleles in individuals of European (Non-Finnish) descent in gnomAD. Variants that disrupt the consensus splice donor site in SLC26A4 are expected to be pathogenic. This variant is interpreted as pathogenic.

Labcorp Genetics (formerly Invitae), Labcorp
Classification: Pathogenic. Last evaluated: 2025-12-16. Review status: criteria provided, single submitter. Criteria: Invitae Variant Classification Sherloc (09022015). Collection method: clinical testing. Allele origin: germline.
Comment: This sequence change affects a donor splice site in intron 3 of the SLC26A4 gene. It is expected to disrupt RNA splicing. Variants that disrupt the donor or acceptor splice site typically lead to a loss of protein function (PMID: 16199547), and loss-of-function variants in SLC26A4 are known to be pathogenic (PMID: 16283880, 25394566, 26252218, 26445815). This variant is present in population databases (rs746238617, gnomAD 0.0009%). Disruption of this splice site has been observed in individual(s) with SLC26A4 related conditions (PMID: 19287372, 28281779). It has also been observed to segregate with disease in related individuals. ClinVar contains an entry for this variant (Variation ID: 189167). Algorithms developed to predict the effect of sequence changes on RNA splicing suggest that this variant may disrupt the consensus splice site. For these reasons, this variant has been classified as Pathogenic.

Natera, Inc.
Classification: Pathogenic for Pendred syndrome. Last evaluated: 2025-05-30. Review status: criteria provided, single submitter. Criteria: Natera Variant Classification Schema (03/2026). Collection method: clinical testing. Allele origin: germline.
Comment: The c.304+2T>C variant in SLC26A4 is a canonical splice donor site variant predicted to affect pre-mRNA splicing, which may result in an abnormal transcript and altered protein product. This variant is expected to result in nonsense mediated decay, truncation, or a dysfunctional protein product. This variant is rare in the general population with a frequency below the threshold expected for the associated phenotype(s). This variant has been observed in one or more individuals affected with the associated recessive disease, as either homozygous or compound heterozygous with a second variant (PMID: 19287372, 28281779). Given the available evidence, this variant is classified as Pathogenic.

Baylor Genetics
Classification: Pathogenic for Autosomal recessive nonsyndromic hearing loss 4. Last evaluated: 2023-02-17. Review status: criteria provided, single submitter. Criteria: ACMG Guidelines, 2015. Collection method: clinical testing. Allele origin: unknown.

GeneDx
Classification: Pathogenic. Last evaluated: 2022-08-05. Review status: criteria provided, single submitter. Criteria: GeneDx Variant Classification Process June 2021. Collection method: clinical testing. Allele origin: germline. Affected: yes.
Comment: Canonical splice site variant predicted to result in a null allele in a gene for which loss of function is a known mechanism of disease; Not observed at significant frequency in large population cohorts (gnomAD); This variant is associated with the following publications: (PMID: 25525159, 26186295, 28281779, 19287372)

Genome-Nilou Lab
Classification: Likely pathogenic for Pendred syndrome. Last evaluated: 2021-09-05. Review status: criteria provided, single submitter. Criteria: ACMG Guidelines, 2015. Collection method: clinical testing. Allele origin: germline. Affected: no.

Counsyl
Classification: Likely pathogenic for Pendred's syndrome. Last evaluated: 2015-01-30. Review status: no assertion criteria provided. Collection method: literature only. Allele origin: unknown. Inheritance: Autosomal recessive inheritance. Not counted in ClinVar's aggregate classification.

Literature cited by the submitters: PubMed 16199547 (cited by Labcorp Genetics (formerly Invitae), Labcorp); PubMed 16283880 (cited by Labcorp Genetics (formerly Invitae), Labcorp); PubMed 25394566 (cited by Labcorp Genetics (formerly Invitae), Labcorp); PubMed 26252218 (cited by Labcorp Genetics (formerly Invitae), Labcorp); PubMed 26445815 (cited by Labcorp Genetics (formerly Invitae), Labcorp); PubMed 19287372 (cited by 3 submitters); PubMed 28281779 (cited by Labcorp Genetics (formerly Invitae), Labcorp and Natera, Inc.).